The following is an entry in ClinVar:

NM_001002294.3(FMO3):c.1262G>T (p.Gly421Val)

Gene: FMO3 (flavin containing dimethylaniline monoxygenase 3; plus strand). Cytogenetic location: 1q24.3.
Variant type: single nucleotide variant.
Coding change: c.1262G>T on transcript NM_001002294.3 (MANE Select); coding-DNA position 1262, G replaced by T.
Protein change: p.Gly421Val; replaces glycine 421 with valine.
Molecular consequence: missense variant.
Genome position (GRCh38, 1-based): chr1:171,117,105, G>T. VCF-style: chr1-171117105-G-T. GRCh37 (hg19) VCF-style: chr1-171086245-G-T.
Other names: c.1202G>T, p.Gly401Val (NM_001319173.2); c.1073G>T, p.Gly358Val (NM_001319174.2); c.1262G>T, p.Gly421Val (NM_006894.6); short protein forms G358V, G401V, G421V.
Identifiers: ClinVar variation 2734033 (VCV002734033.5), dbSNP rs61757397, ClinGen allele CA32506463.

ClinVar aggregate classification (germline): Pathogenic/Likely pathogenic. Review status: criteria provided, multiple submitters, no conflicts (2 of 4 stars). 3 submissions from 3 submitters: Pathogenic (1); Likely pathogenic (2). Last evaluated 2026-06-29.

Conditions:
Trimethylaminuria (TMAU). Also called: FISH-ODOR SYNDROME; Fish malodor syndrome; Stale fish syndrome; TMAuria; Primary Trimethylaminuria. Identifiers: MedGen C0342739, MONDO:0011182, OMIM 602079, HP:0003614. Disease mechanism: loss of function.

Allele frequency attached by ClinVar (database versions not stated): gnomAD exomes below 0.00001.
gnomAD v4.1: 6 of 1,613,728 alleles (0.00037%); highest among the groups gnomAD compares: East Asian, 0.0089%; no homozygotes.

Submissions (3):

Women's Health and Genetics/Laboratory Corporation of America, LabCorp
Classification: Pathogenic for Trimethylaminuria. Last evaluated: 2026-06-29. Review status: criteria provided, single submitter. Criteria: LabCorp Variant Classification Summary - May 2015. Collection method: clinical testing. Allele origin: germline.
Comment: Variant summary: FMO3 c.1262G>T (p.Gly421Val) results in a non-conservative amino acid change in the encoded protein sequence. Algorithms developed to predict the effect of missense changes on protein structure and function are either unavailable or do not agree on the potential impact of this missense change. The variant allele was found at a frequency of 4e-06 in 251060 control chromosomes. c.1262G>T has been observed in individual(s) affected with FMO3-related conditions (Shimizu_2012). These data indicate that the variant may be associated with disease. At least one publication reports experimental evidence evaluating an impact on protein function. The most pronounced variant effect results in reduced Trimethylamine N-oxygenation activity (Shimizu_2012). Internally validated machine learning-based Evidence Modeling of protein sequence and biophysical properties (such as structural, functional, and spatial information, amino acid conservation, physicochemical variation, residue mobility, and thermodynamic stability) indicates that this missense variant is expected to disrupt protein function with a positive predictive value of at least 95%. The following publication has been ascertained in the context of this evaluation (PMID: 22819296). ClinVar contains an entry for this variant (Variation ID: 2734033). Based on the evidence outlined above, the variant was classified as pathogenic.

Fulgent Genetics
Classification: Likely pathogenic for Trimethylaminuria. Last evaluated: 2024-04-16. Review status: criteria provided, single submitter. Criteria: ACMG Guidelines, 2015. Collection method: clinical testing. Allele origin: germline.

Labcorp Genetics (formerly Invitae), Labcorp
Classification: Likely pathogenic. Last evaluated: 2024-03-14. Review status: criteria provided, single submitter. Criteria: Invitae Variant Classification Sherloc (09022015). Collection method: clinical testing. Allele origin: germline.
Comment: This sequence change replaces glycine, which is neutral and non-polar, with valine, which is neutral and non-polar, at codon 421 of the FMO3 protein (p.Gly421Val). This variant is present in population databases (rs61757397, gnomAD 0.006%). This missense change has been observed in individual(s) with trimethylaminuria (PMID: 22819296). Algorithms developed to predict the effect of missense changes on protein structure and function output the following: SIFT: "Not Available"; PolyPhen-2: "Probably Damaging"; Align-GVGD: "Not Available". The valine amino acid residue is found in multiple mammalian species, which suggests that this missense change does not adversely affect protein function. Experimental studies have shown that this missense change affects FMO3 function (PMID: 22819296). In summary, the currently available evidence indicates that the variant is pathogenic, but additional data are needed to prove that conclusively. Therefore, this variant has been classified as Likely Pathogenic.

Literature cited by the submitters: PubMed 22819296 (cited by Women's Health and Genetics/Laboratory Corporation of America, LabCorp and Labcorp Genetics (formerly Invitae), Labcorp).